The following is an entry in ClinVar:

ClinVar aggregate classification (germline): Benign/Likely benign. Review status: criteria provided, multiple submitters, no conflicts (2 of 4 stars). 3 submissions from 3 submitters: Benign (1); Likely benign (1). 1 of the submissions does not count toward it. Last evaluated 2025-02-16.

Conditions:
Inborn genetic diseases. Identifiers: MedGen C0950123, MeSH D030342.
NIPBL-related disorder. Also called: NIPBL-related condition.

Allele frequency attached by ClinVar (database versions not stated): gnomAD 0.00001; ExAC 0.00003.
gnomAD v4.1: 93 of 1,613,696 alleles (0.0058%); highest among the groups gnomAD compares: South Asian, 0.0088%; no homozygotes.

Submissions (3):

Laboratory of Genetics, Children's Clinical University Hospital Latvia
Classification: Benign. Last evaluated: 2025-02-16. Review status: criteria provided, single submitter. Criteria: ACMG Guidelines, 2015. Collection method: clinical testing. Allele origin: germline. Affected: yes.

Ambry Genetics
Classification: Likely benign for Inborn genetic diseases. Last evaluated: 2021-08-31. Review status: criteria provided, single submitter. Criteria: Ambry Variant Classification Scheme 2023. Collection method: clinical testing. Allele origin: germline.

PreventionGenetics, part of Exact Sciences
Classification: Uncertain significance for NIPBL-related condition. Last evaluated: 2024-07-22. Review status: no assertion criteria provided. Collection method: clinical testing. Allele origin: germline. Not counted in ClinVar's aggregate classification.
Comment: The NIPBL c.1886G>A variant is predicted to result in the amino acid substitution p.Arg629Gln. To our knowledge, this variant has not been reported in the literature. This variant is reported in 0.0065% of alleles in individuals of South Asian descent in gnomAD. Although we suspect that this variant may be benign, at this time, the clinical significance of this variant is uncertain due to the absence of conclusive functional and genetic evidence.

NM_133433.4(NIPBL):c.1886G>A (p.Arg629Gln)

Gene: NIPBL (NIPBL cohesin loading factor; plus strand). Cytogenetic location: 5p13.2.
Variant type: single nucleotide variant.
Coding change: c.1886G>A on transcript NM_133433.4 (MANE Select); coding-DNA position 1886, G replaced by A.
Protein change: p.Arg629Gln; replaces arginine 629 with glutamine.
Molecular consequence: missense variant.
Genome position (GRCh38, 1-based): chr5:36,985,066, G>A. VCF-style: chr5-36985066-G-A. GRCh37 (hg19) VCF-style: chr5-36985168-G-A.
Other names: c.1886G>A, p.Arg629Gln (NM_015384.5); short protein forms R629Q.
Identifiers: ClinVar variation 2396476 (VCV002396476.4), dbSNP rs768964587, ClinGen allele CA3236096.